The following is an entry in ClinVar:

NM_000463.3(UGT1A1):c.1558A>G (p.Lys520Glu)

Genes: UGT1A5 (UDP glucuronosyltransferase family 1 member A5; plus strand), UGT1A6 (UDP glucuronosyltransferase family 1 member A6; plus strand), UGT1A7 (UDP glucuronosyltransferase family 1 member A7; plus strand), UGT1A8 (UDP glucuronosyltransferase family 1 member A8; plus strand), UGT1A9 (UDP glucuronosyltransferase family 1 member A9; plus strand) and 5 more. Cytogenetic location: 2q37.1.
Variant type: single nucleotide variant.
Coding change: c.1558A>G on transcript NM_000463.3 (MANE Select); coding-DNA position 1558, A replaced by G.
Protein change: p.Lys520Glu; replaces lysine 520 with glutamic acid.
Molecular consequence: missense variant.
Genome position (GRCh38, 1-based): chr2:233,772,515, A>G. VCF-style: chr2-233772515-A-G. GRCh37 (hg19) VCF-style: chr2-234681161-A-G.
Other names: c.1549A>G, p.Lys517Glu (NM_019075.4, NM_019076.5, NM_019077.3 and 1 more transcripts); c.1555A>G, p.Lys519Glu (NM_001072.4); c.754A>G, p.Lys252Glu (NM_205862.3); c.1561A>G, p.Lys521Glu (NM_019078.2, NM_007120.3, NM_019093.4); short protein forms K520E, K252E, K521E, K517E, K519E.
Identifiers: ClinVar variation 501342 (VCV000501342.11), dbSNP rs553499095, ClinGen allele CA2180158.

ClinVar aggregate classification (germline): Uncertain significance. Review status: criteria provided, multiple submitters, no conflicts (2 of 4 stars). 3 submissions from 3 submitters: Uncertain significance (3). Last evaluated 2025-06-25.

Conditions:
UGT1A1-related disorder. Also called: UGT1A1-related condition; UGT1A1-related disorders.

Allele frequency attached by ClinVar (database versions not stated): ExAC 0.00003; gnomAD 0.00004 and 0.00005; gnomAD exomes 0.00004 and 0.00005; TOPMed 0.00005; 1000 Genomes Project 30x 0.00016; 1000 Genomes Project 0.00020.
gnomAD v4.1: 82 of 1,614,158 alleles (0.0051%); highest among the groups gnomAD compares: Non-Finnish European, 0.0064%; no homozygotes.

Submissions (3):

PreventionGenetics, part of Exact Sciences
Classification: Uncertain significance for UGT1A1-related condition. Last evaluated: 2025-06-25. Review status: criteria provided, single submitter. Criteria: ACMG Guidelines, 2015. Collection method: clinical testing. Allele origin: germline.
Comment: The UGT1A1 c.1558A>G variant is predicted to result in the amino acid substitution p.Lys520Glu. To our knowledge, this variant has not been reported in the literature. This variant is reported in 0.0072% of alleles in individuals of European (Non-Finnish) descent in gnomAD. At this time, the clinical significance of this variant is uncertain due to the absence of conclusive functional and genetic evidence.

Labcorp Genetics (formerly Invitae), Labcorp
Classification: Uncertain significance. Last evaluated: 2022-07-12. Review status: criteria provided, single submitter. Criteria: Invitae Variant Classification Sherloc (09022015). Collection method: clinical testing. Allele origin: germline.
Comment: This variant is present in population databases (rs553499095, gnomAD 0.007%). In summary, the available evidence is currently insufficient to determine the role of this variant in disease. Therefore, it has been classified as a Variant of Uncertain Significance. Algorithms developed to predict the effect of missense changes on protein structure and function are either unavailable or do not agree on the potential impact of this missense change (SIFT: "Not Available"; PolyPhen-2: "Probably Damaging"; Align-GVGD: "Not Available"). ClinVar contains an entry for this variant (Variation ID: 501342). This variant has not been reported in the literature in individuals affected with UGT1A1-related conditions. This sequence change replaces lysine, which is basic and polar, with glutamic acid, which is acidic and polar, at codon 520 of the UGT1A1 protein (p.Lys520Glu).

Eurofins Ntd Llc (ga)
Classification: Uncertain significance. Last evaluated: 2017-04-10. Review status: criteria provided, single submitter. Criteria: EGL Classification Definitions 2015. Collection method: clinical testing. Allele origin: germline. Observed: 1 variant allele, 1 heterozygote.